The following is an entry in ClinVar:

ClinVar aggregate classification (germline): Uncertain significance (1 of 4 stars; one submission).

Submission:

Labcorp Genetics (formerly Invitae), Labcorp
Classification: Uncertain significance. Last evaluated: 2025-12-26. Review status: criteria provided, single submitter. Criteria: Invitae Variant Classification Sherloc (09022015). Collection method: clinical testing. Allele origin: germline.
Comment: This variant, c.4569_4592del, results in the deletion of 8 amino acid(s) of the SETBP1 protein (p.Pro1536_Pro1543del), but otherwise preserves the integrity of the reading frame. The frequency data for this variant in the population databases is considered unreliable, as metrics indicate poor data quality at this position in the gnomAD database. This variant has not been reported in the literature in individuals affected with SETBP1-related conditions. ClinVar contains an entry for this variant (Variation ID: 2178676). Experimental studies and prediction algorithms are not available or were not evaluated, and the functional significance of this variant is currently unknown. In summary, the available evidence is currently insufficient to determine the role of this variant in disease. Therefore, it has been classified as a Variant of Uncertain Significance.

NM_015559.3(SETBP1):c.4569_4592del (p.1520PPLPPPPP[2])

Gene: SETBP1 (SET binding protein 1; plus strand). Cytogenetic location: 18q12.3.
Variant type: Deletion.
Coding change: c.4569_4592del on transcript NM_015559.3 (MANE Select); coding-DNA positions 4569 to 4592, 24 bases deleted (CCCGCCACCGCCGCCGCCCCTGCC).
Protein change: p.1520PPLPPPPP[2].
Molecular consequence: inframe deletion. On other transcripts: inframe indel (1).
Genome position (GRCh38, 1-based): chr18:45,063,476-45,063,499, CCCGCCACCGCCGCCGCCCCTGCC deleted; deleting any 24 consecutive bases within chr18:45,063,463-45,063,499 gives the same sequence; the c. name uses the placement nearest the transcript's 3' end. VCF-style (leftmost placement, unchanged base first): chr18-45063462-GCGCCGCCCCTGCCCCCGCCACCGC-G. GRCh37 (hg19) VCF-style: chr18-42643427-GCGCCGCCCCTGCCCCCGCCACCGC-G.
Other names: c.4569_4592del, p.1520PPLPPPPP[2] (NM_001379141.1, NM_001379142.1); c.4398_4421del24, p.Pro1479_Pro1486del (NM_001410862.1).
Identifiers: ClinVar variation 2178676 (VCV002178676.3), dbSNP rs1351822988, ClinGen allele CA629927141.